The following is an entry in ClinVar:

NM_003070.5(SMARCA2):c.195C>G (p.Phe65Leu)

Gene: SMARCA2 (SWI/SNF related BAF chromatin remodeling complex subunit ATPase 2; plus strand). Cytogenetic location: 9p24.3.
Variant type: single nucleotide variant.
Coding change: c.195C>G on transcript NM_003070.5 (MANE Select); coding-DNA position 195, C replaced by G.
Protein change: p.Phe65Leu; replaces phenylalanine 65 with leucine.
Molecular consequence: missense variant.
Genome position (GRCh38, 1-based): chr9:2,029,217, C>G. VCF-style: chr9-2029217-C-G. GRCh37 (hg19) VCF-style: chr9-2029217-C-G.
Other names: c.195C>G, p.Phe65Leu (NM_001289396.2, NM_001289397.2, NM_139045.4); short protein forms F65L.
Identifiers: ClinVar variation 2632646 (VCV002632646.1), dbSNP rs1818959724, ClinGen allele CA372779352.

ClinVar aggregate classification (germline): Uncertain significance (1 of 4 stars; one submission).

Conditions:
SMARCA2-related disorder. Also called: SMARCA2-related condition.

Allele frequency attached by ClinVar (database versions not stated): TOPMed below 0.00001.
gnomAD v4.1: 4 of 1,612,740 alleles (0.00025%); highest among the groups gnomAD compares: East Asian, 0.0022%; no homozygotes.

Submission:

PreventionGenetics, part of Exact Sciences
Classification: Uncertain significance for SMARCA2-related condition. Last evaluated: 2023-06-26. Review status: criteria provided, single submitter. Criteria: ACMG Guidelines, 2015. Collection method: clinical testing. Allele origin: germline.
Comment: The SMARCA2 c.195C>G variant is predicted to result in the amino acid substitution p.Phe65Leu. To our knowledge, this variant has not been reported in the literature or in a large population database, indicating this variant is rare. At this time, the clinical significance of this variant is uncertain due to the absence of conclusive functional and genetic evidence.